The following is an entry in ClinVar:

NM_001378120.1(MBD5):c.3793A>C (p.Ile1265Leu)

Gene: MBD5 (methyl-CpG binding domain protein 5; plus strand). Cytogenetic location: 2q23.1.
Variant type: single nucleotide variant.
Coding change: c.3793A>C on transcript NM_001378120.1 (MANE Select); coding-DNA position 3793, A replaced by C.
Protein change: p.Ile1265Leu; replaces isoleucine 1265 with leucine.
Molecular consequence: missense variant.
Genome position (GRCh38, 1-based): chr2:148,489,425, A>C. VCF-style: chr2-148489425-A-C. GRCh37 (hg19) VCF-style: chr2-149246994-A-C.
Other names: c.3094A>C, p.Ile1032Leu (NM_018328.5); short protein forms I1032L, I1265L.
Identifiers: ClinVar variation 3638322 (VCV003638322.2).

ClinVar aggregate classification (germline): Uncertain significance (1 of 4 stars; one submission).

Conditions:
Intellectual developmental disorder, autosomal dominant 1. Also called: MBD5 Haploinsufficiency; Intellectual disability, autosomal dominant 1. Identifiers: Orphanet 228402, MedGen C1969562, MONDO:0007974, OMIM 156200.

Submission:

Labcorp Genetics (formerly Invitae), Labcorp
Classification: Uncertain significance for Intellectual developmental disorder, autosomal dominant 1. Last evaluated: 2024-04-12. Review status: criteria provided, single submitter. Criteria: Invitae Variant Classification Sherloc (09022015). Collection method: clinical testing. Allele origin: germline.
Comment: This sequence change replaces isoleucine, which is neutral and non-polar, with leucine, which is neutral and non-polar, at codon 1032 of the MBD5 protein (p.Ile1032Leu). This variant is not present in population databases (gnomAD no frequency). This variant has not been reported in the literature in individuals affected with MBD5-related conditions. Advanced modeling of protein sequence and biophysical properties (such as structural, functional, and spatial information, amino acid conservation, physicochemical variation, residue mobility, and thermodynamic stability) performed at Invitae indicates that this missense variant is not expected to disrupt MBD5 protein function with a negative predictive value of 80%. In summary, the available evidence is currently insufficient to determine the role of this variant in disease. Therefore, it has been classified as a Variant of Uncertain Significance.